The following is an entry in ClinVar:

ClinVar aggregate classification (germline): Likely benign. Review status: criteria provided, multiple submitters, no conflicts (2 of 4 stars). 3 submissions from 3 submitters: Likely benign (2). 1 of the submissions does not count toward it. Last evaluated 2025-09-04.

Conditions:
Duchenne muscular dystrophy (DMD). Also called: MUSCULAR DYSTROPHY, PSEUDOHYPERTROPHIC PROGRESSIVE, DUCHENNE TYPE; Duchenne Muscular Dystrophy (DMD). Identifiers: Orphanet 98896, MedGen C0013264, MONDO:0010679, OMIM 310200.
Cardiomyopathy (CMYO). Also called: Cardiomyopathies. Identifiers: Orphanet 167848, MedGen C0878544, MONDO:0004994, HP:0001638. Inheritance: Various modes of inheritance.
Becker muscular dystrophy (BMD). Also called: MUSCULAR DYSTROPHY, PSEUDOHYPERTROPHIC PROGRESSIVE, BECKER TYPE; Becker Muscular Dystrophy (BMD). Identifiers: Orphanet 98895, MedGen C0917713, MONDO:0010311, OMIM 300376.
Dystrophin deficiency.

Allele frequency attached by ClinVar (database versions not stated): TOPMed 0.00001; ExAC 0.00002; gnomAD exomes 0.00002; gnomAD 0.00004; ESP Exome Variant Server 0.00009.
gnomAD v4.1: 21 of 1,147,614 alleles (0.0018%); highest among the groups gnomAD compares: African/African-American, 0.014%; no homozygotes.

Submissions (3):

Labcorp Genetics (formerly Invitae), Labcorp
Classification: Likely benign for Duchenne muscular dystrophy. Last evaluated: 2025-09-04. Review status: criteria provided, single submitter. Criteria: Invitae Variant Classification Sherloc (09022015). Collection method: clinical testing. Allele origin: germline.

GeneDx
Classification: Likely benign. Last evaluated: 2017-10-02. Review status: criteria provided, single submitter. Criteria: GeneDx Variant Classification (06012015). Collection method: clinical testing. Allele origin: germline. Affected: yes.
Comment: This variant is considered likely benign or benign based on one or more of the following criteria: it is a conservative change, it occurs at a poorly conserved position in the protein, it is predicted to be benign by multiple in silico algorithms, and/or has population frequency not consistent with disease.

Natera, Inc.
Classification: Likely benign for Becker muscular dystrophy; Cardiomyopathy; Duchenne muscular dystrophy; Dystrophin deficiency. Last evaluated: 2020-05-09. Review status: no assertion criteria provided. Collection method: clinical testing. Allele origin: germline. Not counted in ClinVar's aggregate classification.

NM_004006.3(DMD):c.10086+11C>T

Gene: DMD (dystrophin; minus strand). Cytogenetic location: Xp21.2.
Variant type: single nucleotide variant.
Coding change: c.10086+11C>T on transcript NM_004006.3 (MANE Select); 11 bases into the intron after coding-DNA position 10086, C replaced by T.
Molecular consequence: intron variant.
Genome position (GRCh38, 1-based): chrX:31,180,359, G>A on the plus strand (C>T on the coding strand, the complement: DMD is on the minus strand). VCF-style: chrX-31180359-G-A. GRCh37 (hg19) VCF-style: chrX-31198476-G-A.
Other names: c.10062+11C>T (NM_000109.4); c.6063+11C>T (NM_004011.4); c.6054+11C>T (NM_004012.4); c.2706+11C>T (NM_004023.3, NM_004020.4, NM_004022.3 and 2 more transcripts); c.1899+11C>T (NM_004014.3); c.882+11C>T (NM_004018.3, NM_004017.3, NM_004016.3 and 2 more transcripts); c.10074+11C>T (NM_004009.3); c.9717+11C>T (NM_004010.3).
Identifiers: ClinVar variation 512476 (VCV000512476.10), dbSNP rs372337129, ClinGen allele CA10377704.